The following is an entry in ClinVar:

ClinVar aggregate classification (germline): Uncertain significance (1 of 4 stars; one submission).

Conditions:
DICER1-related tumor predisposition. Also called: DICER1 syndrome; DICER1-related pleuropulmonary blastoma cancer predisposition syndrome. Identifiers: Orphanet 284343, MedGen C3839822, MONDO:0100216.

Submission:

Labcorp Genetics (formerly Invitae), Labcorp
Classification: Uncertain significance for DICER1-related tumor predisposition. Last evaluated: 2020-08-26. Review status: criteria provided, single submitter. Criteria: Invitae Variant Classification Sherloc (09022015). Collection method: clinical testing. Allele origin: germline.
Comment: In summary, the available evidence is currently insufficient to determine the role of this variant in disease. Therefore, it has been classified as a Variant of Uncertain Significance. Algorithms developed to predict the effect of missense changes on protein structure and function (SIFT, PolyPhen-2, Align-GVGD) all suggest that this variant is likely to be tolerated, but these predictions have not been confirmed by published functional studies and their clinical significance is uncertain. This variant has not been reported in the literature in individuals with DICER1-related conditions. This variant is not present in population databases (ExAC no frequency). This sequence change replaces valine with leucine at codon 129 of the DICER1 protein (p.Val129Leu). The valine residue is weakly conserved and there is a small physicochemical difference between valine and leucine.

NM_177438.3(DICER1):c.385G>C (p.Val129Leu)

Gene: DICER1 (dicer 1, ribonuclease III; minus strand). Cytogenetic location: 14q32.13.
Variant type: single nucleotide variant.
Coding change: c.385G>C on transcript NM_177438.3 (MANE Select); coding-DNA position 385, G replaced by C.
Protein change: p.Val129Leu; replaces valine 129 with leucine.
Molecular consequence: missense variant.
Genome position (GRCh38, 1-based): chr14:95,131,562, C>G on the plus strand (G>C on the coding strand, the complement: DICER1 is on the minus strand). VCF-style: chr14-95131562-C-G. GRCh37 (hg19) VCF-style: chr14-95597899-C-G.
Other names: c.385G>C, p.Val129Leu (NM_001195573.1, NM_001271282.3, NM_001291628.2 and 1 more transcripts); short protein forms V129L.
Identifiers: ClinVar variation 1020577 (VCV001020577.10), dbSNP rs1893951140, ClinGen allele CA390889034.